The following is an entry in ClinVar:

NM_005529.7(HSPG2):c.9094A>G (p.Thr3032Ala)

Gene: HSPG2 (heparan sulfate proteoglycan 2; minus strand). Cytogenetic location: 1p36.12.
Variant type: single nucleotide variant.
Coding change: c.9094A>G on transcript NM_005529.7 (MANE Select); coding-DNA position 9094, A replaced by G.
Protein change: p.Thr3032Ala; replaces threonine 3032 with alanine.
Molecular consequence: missense variant.
Genome position (GRCh38, 1-based): chr1:21,842,101, T>C on the plus strand (A>G on the coding strand, the complement: HSPG2 is on the minus strand). VCF-style: chr1-21842101-T-C. GRCh37 (hg19) VCF-style: chr1-22168594-T-C.
Other names: c.9097A>G, p.Thr3033Ala (NM_001291860.2); short protein forms T3033A, T3032A.
Identifiers: ClinVar variation 1486798 (VCV001486798.6), dbSNP rs2152706201, ClinGen allele CA338915376.

ClinVar aggregate classification (germline): Uncertain significance (1 of 4 stars; one submission).

gnomAD v4.1: 1 of 1,613,624 alleles (0.000062%); highest among the groups gnomAD compares: Non-Finnish European, 0.000085%; no homozygotes.

Submission:

Labcorp Genetics (formerly Invitae), Labcorp
Classification: Uncertain significance. Last evaluated: 2023-11-27. Review status: criteria provided, single submitter. Criteria: Invitae Variant Classification Sherloc (09022015). Collection method: clinical testing. Allele origin: germline.
Comment: This sequence change replaces threonine, which is neutral and polar, with alanine, which is neutral and non-polar, at codon 3032 of the HSPG2 protein (p.Thr3032Ala). This variant is not present in population databases (gnomAD no frequency). This variant has not been reported in the literature in individuals affected with HSPG2-related conditions. ClinVar contains an entry for this variant (Variation ID: 1486798). An algorithm developed to predict the effect of missense changes on protein structure and function (PolyPhen-2) suggests that this variant is likely to be disruptive. In summary, the available evidence is currently insufficient to determine the role of this variant in disease. Therefore, it has been classified as a Variant of Uncertain Significance.